The following is an entry in ClinVar:

ClinVar aggregate classification (germline): Benign (0 of 4 stars; one submission).

Conditions:
MXI1-related disorder. Also called: MXI1-related condition.

Allele frequency attached by ClinVar (database versions not stated): TOPMed 0.00210; 1000 Genomes Project 30x 0.01218; 1000 Genomes Project 0.01278.
gnomAD v4.1: 2,024 of 1,365,504 alleles (0.15%); highest among the groups gnomAD compares: East Asian, 3.7%; 42 homozygotes.

Submission:

PreventionGenetics, part of Exact Sciences
Classification: Benign for MXI1-related condition. Last evaluated: 2019-09-30. Review status: no assertion criteria provided. Collection method: clinical testing. Allele origin: germline.
Comment: This variant is classified as benign based on ACMG/AMP sequence variant interpretation guidelines (Richards et al. 2015 PMID: 25741868, with internal and published modifications).

NM_130439.3(MXI1):c.83C>G (p.Pro28Arg)

Gene: MXI1 (MAX interactor 1, dimerization protein; plus strand). Cytogenetic location: 10q25.2.
Variant type: single nucleotide variant.
Coding change: c.83C>G on transcript NM_130439.3 (MANE Select); coding-DNA position 83, C replaced by G.
Protein change: p.Pro28Arg; replaces proline 28 with arginine.
Molecular consequence: missense variant.
Genome position (GRCh38, 1-based): chr10:110,207,891, C>G. VCF-style: chr10-110207891-C-G. GRCh37 (hg19) VCF-style: chr10-111967649-C-G.
Other names: short protein forms P28R.
Identifiers: ClinVar variation 3037741 (VCV003037741.2), dbSNP rs201906236, ClinGen allele CA5686833.
Genomic context (GRCh38, chr10:110,207,891, plus strand): 5'-GCAAGGAGGCGCGCTGCGAGGGCGCGGGGCTGGCCCCCGCCGCGCCCCCGGCTGTGCCCC[C>G]CGCCGTGGCCGCGCCCCAGCCCCCGGCCCTGCCCGAGGACCCCGCTGGGGCCAAGCCCAG-3'
Protein context (NP_569157.2, residues 18-38): LAPAAPPAVP[Pro28Arg]AVAAPQPPAL